The following is an entry in ClinVar:

NM_001204.7(BMPR2):c.1960G>A (p.Val654Ile)

Gene: BMPR2 (bone morphogenetic protein receptor type 2; plus strand). Cytogenetic location: 2q33.2.
Variant type: single nucleotide variant.
Coding change: c.1960G>A on transcript NM_001204.7 (MANE Select); coding-DNA position 1960, G replaced by A.
Protein change: p.Val654Ile; replaces valine 654 with isoleucine.
Molecular consequence: missense variant.
Genome position (GRCh38, 1-based): chr2:202,555,625, G>A. VCF-style: chr2-202555625-G-A. GRCh37 (hg19) VCF-style: chr2-203420348-G-A.
Other names: short protein forms V654I.
Identifiers: ClinVar variation 4214437 (VCV004214437.1).

ClinVar aggregate classification (germline): Uncertain significance (1 of 4 stars; one submission).

Conditions:
Inborn genetic diseases. Identifiers: MedGen C0950123, MeSH D030342.

Submission:

Ambry Genetics
Classification: Uncertain significance for Inborn genetic diseases. Last evaluated: 2025-07-10. Review status: criteria provided, single submitter. Criteria: Ambry Variant Classification Scheme 2023. Collection method: clinical testing. Allele origin: germline.
Comment: The p.V654I variant (also known as c.1960G>A), located in coding exon 12 of the BMPR2 gene, results from a G to A substitution at nucleotide position 1960. The valine at codon 654 is replaced by isoleucine, an amino acid with highly similar properties. This amino acid position is conserved. In addition, the in silico prediction for this alteration is inconclusive. Based on the available evidence, the clinical significance of this variant remains unclear.